The following is an entry in ClinVar:

NM_022065.5(THADA):c.4395A>G (p.Leu1465=)

Gene: THADA (THADA armadillo repeat containing; minus strand). Cytogenetic location: 2p21.
Variant type: single nucleotide variant.
Coding change: c.4395A>G on transcript NM_022065.5 (MANE Select); coding-DNA position 4395, A replaced by G.
Protein change: p.Leu1465=; no amino-acid change (leucine 1465 retained).
Molecular consequence: synonymous variant. On other transcripts: non-coding transcript variant (2).
Genome position (GRCh38, 1-based): chr2:43,320,489, T>C on the plus strand (A>G on the coding strand, the complement: THADA is on the minus strand). VCF-style: chr2-43320489-T-C. GRCh37 (hg19) VCF-style: chr2-43547628-T-C.
Other names: c.4395A>G, p.Leu1465= (NM_001083953.2, NM_001345925.2); c.4392A>G, p.Leu1464= (NM_001345923.2); c.4272A>G, p.Leu1424= (NM_001345924.2); c.*466A>G (NM_198554.1).
Identifiers: ClinVar variation 3052658 (VCV003052658.2), dbSNP rs752113084, ClinGen allele CA1632227.

ClinVar aggregate classification (germline): Likely benign (0 of 4 stars; one submission).

Conditions:
THADA-related disorder. Also called: THADA-related condition.

Allele frequency attached by ClinVar (database versions not stated): ExAC 0.00001; gnomAD exomes 0.00003; gnomAD 0.00005; TOPMed 0.00006.
gnomAD v4.1: 54 of 1,613,628 alleles (0.0033%); highest among the groups gnomAD compares: East Asian, 0.0045%; no homozygotes.

Submission:

PreventionGenetics, part of Exact Sciences
Classification: Likely benign for THADA-related condition. Last evaluated: 2019-08-19. Review status: no assertion criteria provided. Collection method: clinical testing. Allele origin: germline.
Comment: This variant is classified as likely benign based on ACMG/AMP sequence variant interpretation guidelines (Richards et al. 2015 PMID: 25741868, with internal and published modifications).